The following is an entry in ClinVar:

NM_004429.5(EFNB1):c.540G>T (p.Arg180Ser)

Gene: EFNB1 (ephrin B1; plus strand). Cytogenetic location: Xq13.1.
Variant type: single nucleotide variant.
Coding change: c.540G>T on transcript NM_004429.5 (MANE Select); coding-DNA position 540, G replaced by T.
Protein change: p.Arg180Ser; replaces arginine 180 with serine.
Molecular consequence: missense variant.
Genome position (GRCh38, 1-based): chrX:68,840,000, G>T. VCF-style: chrX-68840000-G-T. GRCh37 (hg19) VCF-style: chrX-68059843-G-T.
Other names: short protein forms R180S.
Identifiers: ClinVar variation 3507038 (VCV003507038.3).
Genomic context (GRCh38, chrX:68,840,000, plus strand): 5'-TGTTCTGTCTCCATTCTTAGATCCCAATGCTGTGACGCCTGAGCAGCTGACTACCAGCAG[G>T]CCCAGCAAGGAGGCAGACAACACTGTCAAGATGGCCACACAGGCCCCTGGTAGTCGGGGC-3'
Protein context (NP_004420.1, residues 170-190): AVTPEQLTTS[Arg180Ser]PSKEADNTVK

ClinVar aggregate classification (germline): Uncertain significance. Review status: criteria provided, multiple submitters, no conflicts (2 of 4 stars). 2 submissions from 2 submitters: Uncertain significance (2). Last evaluated 2024-10-29.

Conditions:
Inborn genetic diseases. Identifiers: MedGen C0950123, MeSH D030342.

gnomAD v4.1: 44 of 1,210,417 alleles (0.0036%); highest among the groups gnomAD compares: Middle Eastern, 0.023%; no homozygotes.

Submissions (2):

Ambry Genetics
Classification: Uncertain significance for Inborn genetic diseases. Last evaluated: 2024-10-29. Review status: criteria provided, single submitter. Criteria: Ambry Variant Classification Scheme 2023. Collection method: clinical testing. Allele origin: germline.

Labcorp Genetics (formerly Invitae), Labcorp
Classification: Uncertain significance. Last evaluated: 2024-08-13. Review status: criteria provided, single submitter. Criteria: Invitae Variant Classification Sherloc (09022015). Collection method: clinical testing. Allele origin: germline.
Comment: This sequence change replaces arginine, which is basic and polar, with serine, which is neutral and polar, at codon 180 of the EFNB1 protein (p.Arg180Ser). This variant is present in population databases (rs143162125, gnomAD 0.009%). This variant has not been reported in the literature in individuals affected with EFNB1-related conditions. Advanced modeling of protein sequence and biophysical properties (such as structural, functional, and spatial information, amino acid conservation, physicochemical variation, residue mobility, and thermodynamic stability) performed at Invitae indicates that this missense variant is not expected to disrupt EFNB1 protein function with a negative predictive value of 80%. In summary, the available evidence is currently insufficient to determine the role of this variant in disease. Therefore, it has been classified as a Variant of Uncertain Significance.